The following is an entry in ClinVar:

ClinVar aggregate classification (germline): Likely benign (1 of 4 stars; one submission).

gnomAD v4.1: 4 of 1,613,584 alleles (0.00025%); highest among the groups gnomAD compares: South Asian, 0.0011%; no homozygotes.

Submission:

CeGaT Center for Human Genetics Tuebingen
Classification: Likely benign. Last evaluated: 2026-01-01. Review status: criteria provided, single submitter. Criteria: CeGaT Center For Human Genetics Tuebingen Variant Classification Criteria Version 2. Collection method: clinical testing. Allele origin: germline. Affected: yes. Observed: 1 variant allele.
Comment: GNAS: BP4

NM_080425.4(GNAS):c.423C>T (p.Pro141=)

Gene: GNAS (GNAS complex locus; plus strand). Cytogenetic location: 20q13.32.
Variant type: single nucleotide variant.
Coding change: c.423C>T on transcript NM_080425.4 (MANE Plus Clinical); coding-DNA position 423, C replaced by T.
Protein change: p.Pro141=; no amino-acid change (proline 141 retained).
Molecular consequence: synonymous variant. On other transcripts: missense variant (2), intron variant (3).
Genome position (GRCh38, 1-based): chr20:58,853,688, C>T. VCF-style: chr20-58853688-C-T. GRCh37 (hg19) VCF-style: chr20-57428743-C-T.
Other names: c.236C>T, p.Pro79Leu (NM_001077490.3, NM_001309883.1); c.423C>T, p.Pro141= (NM_001410913.1); c.*42+12802C>T (NM_016592.5); c.43+12802C>T (NM_001410912.1); c.-39+11813C>T (NM_001309861.2); short protein forms P79L.
Identifiers: ClinVar variation 4821974 (VCV004821974.4).